The following is an entry in ClinVar:

NM_001022.4(RPS19):c.1-14A>G

Genes: RPS19 (ribosomal protein S19; plus strand), RPS19-CD79A (RPS19-CD79A readthrough; plus strand). Cytogenetic location: 19q13.2.
Variant type: single nucleotide variant.
Coding change: c.1-14A>G on transcript NM_001022.4 (MANE Select); 14 bases into the intron before coding-DNA position 1, A replaced by G.
Molecular consequence: intron variant.
Genome position (GRCh38, 1-based): chr19:41,860,761, A>G. VCF-style: chr19-41860761-A-G. GRCh37 (hg19) VCF-style: chr19-42364831-A-G.
Other names: c.1-14A>G (NM_001321484.2, NM_001321485.2, NM_001321483.2).
Identifiers: ClinVar variation 329389 (VCV000329389.7), dbSNP rs201317022, ClinGen allele CA9465246.

ClinVar aggregate classification (germline): Likely benign. Review status: criteria provided, multiple submitters, no conflicts (2 of 4 stars). 3 submissions from 3 submitters: Likely benign (3). Last evaluated 2024-11-22.

Conditions:
Diamond-Blackfan anemia 1 (DBA1). Also called: RPS19-Related Diamond-Blackfan Anemia; ERYTHROGENESIS IMPERFECTA; BLACKFAN-DIAMOND SYNDROME; ANEMIA, CONGENITAL HYPOPLASTIC, OF BLACKFAN AND DIAMOND; ANEMIA, CONGENITAL ERYTHROID HYPOPLASTIC; RED CELL APLASIA, PURE, HEREDITARY. Identifiers: Orphanet 124, MedGen C2676137, MONDO:0007110, OMIM 105650.

Allele frequency attached by ClinVar (database versions not stated): TOPMed 0.00013; gnomAD exomes 0.00026 and 0.00054; 1000 Genomes Project 30x 0.00031; ExAC 0.00034; 1000 Genomes Project 0.00040; gnomAD 0.00044.
gnomAD v4.1: 434 of 1,608,422 alleles (0.027%); highest among the groups gnomAD compares: Non-Finnish European, 0.013%; no homozygotes.

Submissions (3):

Blueprint Genetics
Classification: Likely benign. Last evaluated: 2024-11-22. Review status: criteria provided, single submitter. Criteria: ACMG Guidelines, 2015. Collection method: clinical testing. Allele origin: germline.

Fulgent Genetics
Classification: Likely benign for Diamond-Blackfan anemia 1. Last evaluated: 2021-08-22. Review status: criteria provided, single submitter. Criteria: ACMG Guidelines, 2015. Collection method: clinical testing. Allele origin: unknown.

Illumina Laboratory Services, Illumina
Classification: Likely benign for Diamond-Blackfan anemia 1. Last evaluated: 2018-01-13. Review status: criteria provided, single submitter. Criteria: ICSL Variant Classification Criteria 13 December 2019. Collection method: clinical testing. Allele origin: germline.
Comment: This variant was observed in the ICSL laboratory as part of a predisposition screen in an ostensibly healthy population. It had not been previously curated by ICSL or reported in the Human Gene Mutation Database (HGMD: prior to June 1st, 2018), and was therefore a candidate for classification through an automated scoring system. Utilizing variant allele frequency, disease prevalence and penetrance estimates, and inheritance mode, an automated score was calculated to assess if this variant is too frequent to cause the disease. Based on the score and internal cut-off values, a variant classified as likely benign is not then subjected to further curation. The score for this variant resulted in a classification of likely benign for this disease.